The following is an entry in ClinVar:

ClinVar aggregate classification (germline): Benign. Review status: reviewed by expert panel (3 of 4 stars). 28 submissions from 26 submitters: Benign (1). 27 of the submissions do not count toward it. Last evaluated 2017-06-29.

Conditions:
Hereditary cancer-predisposing syndrome. Also called: Hereditary Cancer Syndrome; Tumor predisposition; Neoplastic Syndromes, Hereditary; Hereditary neoplastic syndrome. Identifiers: Orphanet 140162, MedGen C0027672, MeSH D009386, MONDO:0015356.
Breast and/or ovarian cancer. Identifiers: MedGen CN221562.
Hereditary breast ovarian cancer syndrome. Also called: Breast and ovarian cancer; BRCA1- and BRCA2-Associated Hereditary Breast and Ovarian Cancer; Hereditary breast and ovarian cancer; Hereditary breast and ovarian cancer syndrome (HBOC); Hereditary breast and ovarian cancer syndrome; Hereditary breast and/or ovarian cancer syndrome. Identifiers: Orphanet 145, MedGen C0677776, MeSH D061325, MONDO:0003582. Disease mechanism: loss of function.
Fanconi anemia complementation group D1. Also called: BRCA2-Related Fanconi Anemia. Identifiers: Orphanet 319462, MedGen C1838457, MONDO:0011584, OMIM 605724.
Breast-ovarian cancer, familial, susceptibility to, 2 (BROVCA2). Also called: BRCA2 Hereditary Breast and Ovarian Cancer. Identifiers: Orphanet 145, MedGen C2675520, MONDO:0012933, OMIM 612555. Disease mechanism: loss of function.
Familial cancer of breast. Also called: BREAST CANCER, FAMILIAL; hereditary breast carcinoma; Hereditary breast cancer. Identifiers: Orphanet 227535, MedGen C0346153, MONDO:0016419, OMIM 114480. Disease mechanism: loss of function.
Malignant tumor of breast. Also called: Malignant breast neoplasm; Cancer breast. Identifiers: MedGen C0006142, MONDO:0007254. Disease mechanism: loss of function.

Allele frequency attached by ClinVar (database versions not stated): TOPMed 0.00008; gnomAD 0.00009 and 0.00021; ESP Exome Variant Server 0.00015; gnomAD exomes 0.00037 and 0.00063; ExAC 0.00081; 1000 Genomes Project 0.00100; 1000 Genomes Project 30x 0.00109.
gnomAD v4.1: 568 of 1,609,690 alleles (0.035%); highest among the groups gnomAD compares: South Asian, 0.5%; 11 homozygotes.

Submissions 1 to 18 of 28:

Evidence-based Network for the Interpretation of Germline Mutant Alleles (ENIGMA)
Classification: Benign for Breast-ovarian cancer, familial, susceptibility to, 2. Last evaluated: 2017-06-29. Review status: reviewed by expert panel. Criteria: ENIGMA BRCA1/2 Classification Criteria (2017-06-29). Collection method: curation. Allele origin: germline.
Comment: Synonymous substitution variant, with low bioinformatic likelihood to alter mRNA splicing (splicing prior 0.02) and frequency 0.0049 (South Asian), derived from ExAC (2014-12-17).

Labcorp Genetics (formerly Invitae), Labcorp
Classification: Benign for Hereditary breast ovarian cancer syndrome. Last evaluated: 2026-02-04. Review status: criteria provided, single submitter. Criteria: Invitae Variant Classification Sherloc (09022015). Collection method: clinical testing. Allele origin: germline. Not counted in ClinVar's aggregate classification.

CeGaT Center for Human Genetics Tuebingen
Classification: Likely benign. Last evaluated: 2026-01-01. Review status: criteria provided, single submitter. Criteria: CeGaT Center For Human Genetics Tuebingen Variant Classification Criteria Version 2. Collection method: clinical testing. Allele origin: germline. Affected: yes. Observed: 4 variant alleles. Not counted in ClinVar's aggregate classification.
Comment: BRCA2: BP4, BP7

ARUP Laboratories, Molecular Genetics and Genomics, ARUP Laboratories
Classification: Benign. Last evaluated: 2025-05-19. Review status: criteria provided, single submitter. Criteria: ARUP Molecular Germline Variant Investigation Process 2024. Collection method: clinical testing. Allele origin: germline. Not counted in ClinVar's aggregate classification.

Center for Genomic Medicine, Rigshospitalet, Copenhagen University Hospital
Classification: Benign. Last evaluated: 2025-03-04. Review status: criteria provided, single submitter. Criteria: ACMG Guidelines, 2015. Collection method: clinical testing. Allele origin: germline. Not counted in ClinVar's aggregate classification.

KCCC/NGS Laboratory, Kuwait Cancer Control Center
Classification: Benign for Familial cancer of breast. Last evaluated: 2025-02-01. Review status: criteria provided, single submitter. Criteria: ACMG Guidelines, 2015. Collection method: clinical testing. Allele origin: germline. Affected: no. Not counted in ClinVar's aggregate classification.

Blueprint Genetics
Classification: Likely benign. Last evaluated: 2024-11-08. Review status: criteria provided, single submitter. Criteria: ACMG Guidelines, 2015. Collection method: clinical testing. Allele origin: germline. Not counted in ClinVar's aggregate classification.

KCCC/NGS Laboratory, Kuwait Cancer Control Center
Classification: Benign for Breast-ovarian cancer, familial, susceptibility to, 2. Last evaluated: 2023-07-07. Review status: criteria provided, single submitter. Criteria: ACMG Guidelines, 2015. Collection method: clinical testing. Allele origin: germline. Affected: yes. Not counted in ClinVar's aggregate classification.

CHEO Genetics Diagnostic Laboratory, Children's Hospital of Eastern Ontario
Classification: Likely benign for Breast and/or ovarian cancer. Last evaluated: 2023-05-23. Review status: criteria provided, single submitter. Criteria: ACMG Guidelines, 2015. Collection method: clinical testing. Allele origin: germline. Not counted in ClinVar's aggregate classification.

National Health Laboratory Service, Universitas Academic Hospital and University of the Free State
Classification: Benign for Hereditary breast ovarian cancer syndrome. Last evaluated: 2021-11-16. Review status: criteria provided, single submitter. Criteria: ACMG Guidelines, 2015. Collection method: clinical testing. Allele origin: germline. Affected: yes. Observed: 1 variant allele. Not counted in ClinVar's aggregate classification.

Sema4
Classification: Benign for Hereditary cancer-predisposing syndrome. Last evaluated: 2020-10-06. Review status: criteria provided, single submitter. Criteria: Sema4 Curation Guidelines. Collection method: curation. Allele origin: germline. Not counted in ClinVar's aggregate classification.

PreventionGenetics, part of Exact Sciences
Classification: Benign. Last evaluated: 2017-05-15. Review status: criteria provided, single submitter. Criteria: ACMG Guidelines, 2015. Collection method: clinical testing. Allele origin: germline. Not counted in ClinVar's aggregate classification.

Illumina Laboratory Services, Illumina
Classification: Likely benign for Breast-ovarian cancer, familial, susceptibility to, 2. Last evaluated: 2017-04-27. Review status: criteria provided, single submitter. Criteria: ICSL Variant Classification Criteria 13 December 2019. Collection method: clinical testing. Allele origin: germline. Not counted in ClinVar's aggregate classification.
Comment: This variant was observed as part of a predisposition screen in an ostensibly healthy population. A literature search was performed for the gene, cDNA change, and amino acid change (where applicable). Publications were found based on this search. The evidence from the literature, in combination with allele frequency data from public databases where available, was sufficient to determine this variant is unlikely to cause disease. Therefore, this variant is classified as likely benign.

Illumina Laboratory Services, Illumina
Classification: Likely benign for Fanconi anemia complementation group D1. Last evaluated: 2017-04-27. Review status: criteria provided, single submitter. Criteria: ICSL Variant Classification Criteria 13 December 2019. Collection method: clinical testing. Allele origin: germline. Not counted in ClinVar's aggregate classification.
Comment: This variant was observed as part of a predisposition screen in an ostensibly healthy population. A literature search was performed for the gene, cDNA change, and amino acid change (where applicable). No publications were found based on this search. Allele frequency data from public databases allowed determination this variant is unlikely to cause disease. Therefore, this variant is classified as likely benign.

Cancer Genetics and Genomics Laboratory, British Columbia Cancer Agency
Classification: Benign. Last evaluated: 2017-04-18. Review status: criteria provided, single submitter. Criteria: ACMG Guidelines, 2015. Collection method: clinical testing. Allele origin: germline. Study: The Canadian Open Genetics Repository (COGR). Not counted in ClinVar's aggregate classification.

Color Diagnostics, LLC DBA Color Health
Classification: Benign for Hereditary cancer-predisposing syndrome. Last evaluated: 2015-12-28. Review status: criteria provided, single submitter. Criteria: ACMG Guidelines, 2015. Collection method: clinical testing. Allele origin: germline. Not counted in ClinVar's aggregate classification.

Clinical Genetics DNA and cytogenetics Diagnostics Lab, Erasmus MC, Erasmus Medical Center
Classification: Likely benign for Breast-ovarian cancer, familial, susceptibility to, 2. Last evaluated: 2015-09-21. Review status: criteria provided, single submitter. Criteria: ACGS Guidelines, 2013. Collection method: clinical testing. Allele origin: germline. Affected: yes. Study: VKGL Data-share Consensus. Not counted in ClinVar's aggregate classification.

Women's Health and Genetics/Laboratory Corporation of America, LabCorp
Classification: Benign for Hereditary breast ovarian cancer syndrome. Last evaluated: 2015-08-24. Review status: criteria provided, single submitter. Criteria: LabCorp Variant Classification Summary - May 2015. Collection method: clinical testing. Allele origin: germline. Not counted in ClinVar's aggregate classification.
Comment: Variant Summary: The variant of interest causes a synonymous change involving a non-conserved nucleotide with Mutation Taster predicting the variant to be a "polymorphism." 3/5 in silico programs via Alamut predict no significant effect on splicing and the removal of an ESE binding site, SRp40, although these predictions have yet to be functionally assessed. The variant of interest was observed in a large, broad control population, ExAC with an allele frequency of 98/120626 (1/1231, including 2 homozygotes), which exceeds the maximum expected allele frequency for a BRCA2 variant of 1/1333. The variant of interest has been reported in affected individuals via publications, including a reported co-occurrence with another pathogenic BRCA1 variant (5404delG; De Silva et al 2001). In addition, multiple reputable databases/clinical laboratories (BIC, GeneDx, Ambry Genetics, and Invitae) cite the variant with a classification of "likely benign/benign." Therefore, taking all available lines of evidence into consideration, the variant of interest is classified as benign.

NM_000059.4(BRCA2):c.2538A>C (p.Ser846=)

Gene: BRCA2 (BRCA2 DNA repair associated; plus strand). Cytogenetic location: 13q13.1.
Variant type: single nucleotide variant.
Coding change: c.2538A>C on transcript NM_000059.4 (MANE Select); coding-DNA position 2538, A replaced by C.
Protein change: p.Ser846=; no amino-acid change (serine 846 retained).
Molecular consequence: synonymous variant.
Genome position (GRCh38, 1-based): chr13:32,336,893, A>C. VCF-style: chr13-32336893-A-C. GRCh37 (hg19) VCF-style: chr13-32911030-A-C.
Other names: 2766A>C; p.S846S:TCA>TCC; NP_000050.3:p.Ser846=.
Identifiers: ClinVar variation 51302 (VCV000051302.95), dbSNP rs11571654, ClinGen allele CA015586.
Genomic context (GRCh38, chr13:32,336,893, plus strand): 5'-AAATTATAAAAACGTTGAGCTGTTGCCACCTGAAAAATACATGAGAGTAGCATCACCTTC[A>C]AGAAAGGTACAATTCAACCAAAACACAAATCTAAGAGTAATCCAAAAAAATCAAGAAGAA-3'
Protein context (NP_000050.3, residues 836-856): PEKYMRVASP[Ser846=]RKVQFNQNTN